The following is an entry in ClinVar:

ClinVar aggregate classification (germline): Likely benign (1 of 4 stars; one submission).

Allele frequency attached by ClinVar (database versions not stated): gnomAD 0.00010; TOPMed 0.00010; ExAC 0.00015.

Submission:

CeGaT Center for Human Genetics Tuebingen
Classification: Likely benign. Last evaluated: 2022-09-01. Review status: criteria provided, single submitter. Criteria: CeGaT Center For Human Genetics Tuebingen Variant Classification Criteria Version 2. Collection method: clinical testing. Allele origin: germline. Affected: yes. Observed: 1 variant allele.
Comment: MAGEB6B: BP4, BP7

NM_001396029.1(MAGEB6B):c.774C>T (p.Ser258=)

Gene: MAGEB6B (MAGE family member B6B; plus strand). Cytogenetic location: Xp21.3.
Variant type: single nucleotide variant.
Coding change: c.774C>T on transcript NM_001396029.1 (MANE Select); coding-DNA position 774, C replaced by T.
Protein change: p.Ser258=; no amino-acid change (serine 258 retained).
Molecular consequence: synonymous variant.
Genome position (GRCh38, 1-based): chrX:26,161,374, C>T. VCF-style: chrX-26161374-C-T. GRCh37 (hg19) VCF-style: chrX-26179491-C-T.
Identifiers: ClinVar variation 2660203 (VCV002660203.24), dbSNP rs751739511, ClinGen allele CA10374210.